The following is an entry in ClinVar:

ClinVar aggregate classification (germline): Benign/Likely benign. Review status: criteria provided, multiple submitters, no conflicts (2 of 4 stars). 3 submissions from 3 submitters: Benign (1); Likely benign (2). Last evaluated 2024-04-03.

Conditions:
Hereditary cancer-predisposing syndrome. Also called: Neoplastic Syndromes, Hereditary; Tumor predisposition; Hereditary Cancer Syndrome; Hereditary neoplastic syndrome. Identifiers: Orphanet 140162, MedGen C0027672, MeSH D009386, MONDO:0015356.
Familial adenomatous polyposis 1 (FAP1). Also called: FAMILIAL ADENOMATOUS POLYPOSIS 1, ATTENUATED; POLYPOSIS, ADENOMATOUS INTESTINAL. Identifiers: MedGen C2713442, MONDO:0021056, OMIM 175100. Disease mechanism: loss of function.

gnomAD v4.1: 5 of 1,613,816 alleles (0.00031%); highest among the groups gnomAD compares: Non-Finnish European, 0.00042%; no homozygotes.

Submissions (3):

Myriad Genetics, Inc.
Classification: Benign for Familial adenomatous polyposis 1. Last evaluated: 2024-04-03. Review status: criteria provided, single submitter. Criteria: Myriad Autosomal Dominant, Autosomal Recessive and X-Linked Classification Criteria (2023). Collection method: clinical testing. Allele origin: unknown.
Comment: This variant is considered benign. This variant is a silent/synonymous amino acid change and it is not expected to impact splicing.

Labcorp Genetics (formerly Invitae), Labcorp
Classification: Likely benign for Familial adenomatous polyposis 1. Last evaluated: 2023-03-17. Review status: criteria provided, single submitter. Criteria: Invitae Variant Classification Sherloc (09022015). Collection method: clinical testing. Allele origin: germline.

Ambry Genetics
Classification: Likely benign for Hereditary cancer-predisposing syndrome. Last evaluated: 2015-03-30. Review status: criteria provided, single submitter. Criteria: Ambry Variant Classification Scheme 2023. Collection method: clinical testing. Allele origin: germline.

NM_000038.6(APC):c.6117G>A (p.Leu2039=)

Gene: APC (APC regulator of Wnt signaling pathway; plus strand). Cytogenetic location: 5q22.2.
Variant type: single nucleotide variant.
Coding change: c.6117G>A on transcript NM_000038.6 (MANE Select); coding-DNA position 6117, G replaced by A.
Protein change: p.Leu2039=; no amino-acid change (leucine 2039 retained).
Molecular consequence: synonymous variant.
Genome position (GRCh38, 1-based): chr5:112,841,711, G>A. VCF-style: chr5-112841711-G-A. GRCh37 (hg19) VCF-style: chr5-112177408-G-A.
Other names: c.6117G>A, p.Leu2039= (NM_001127510.3, NM_001354895.2); c.6063G>A, p.Leu2021= (NM_001127511.3); c.6171G>A, p.Leu2057= (NM_001354896.2); c.6147G>A, p.Leu2049= (NM_001354897.2); c.6042G>A, p.Leu2014= (NM_001354898.2); c.6033G>A, p.Leu2011= (NM_001354899.2); c.5994G>A, p.Leu1998= (NM_001354900.2); c.5940G>A, p.Leu1980= (NM_001354901.2); and 5 more.
Identifiers: ClinVar variation 231125 (VCV000231125.54), dbSNP rs372418435, ClinGen allele CA10578419.